The following is an entry in ClinVar:

NM_000169.3(GLA):c.357G>T (p.Gln119His)

Genes: GLA (galactosidase alpha; minus strand), RPL36A-HNRNPH2 (RPL36A-HNRNPH2 readthrough; plus strand). Cytogenetic location: Xq22.1.
Variant type: single nucleotide variant.
Coding change: c.357G>T on transcript NM_000169.3 (MANE Select); coding-DNA position 357, G replaced by T.
Protein change: p.Gln119His; replaces glutamine 119 with histidine.
Molecular consequence: missense variant. On other transcripts: non-coding transcript variant (3), intron variant (2).
Genome position (GRCh38, 1-based): chrX:101,403,823, C>A on the plus strand (G>T on the coding strand, the complement: GLA is on the minus strand). VCF-style: chrX-101403823-C-A. GRCh37 (hg19) VCF-style: chrX-100658811-C-A.
Other names: c.480G>T, p.Gln160His (NM_001406747.1, NM_001406749.1); c.357G>T, p.Gln119His (NM_001406748.1); c.301-8113C>A (NM_001199973.2); c.178-8113C>A (NM_001199974.2); short protein forms Q119H, Q160H.
Identifiers: ClinVar variation 3070692 (VCV003070692.1), dbSNP rs2520911999, ClinGen allele CA413932825.

ClinVar aggregate classification (germline): Uncertain significance (1 of 4 stars; one submission).

Conditions:
Fabry disease. Also called: Fabry's disease; ALPHA-GALACTOSIDASE A DEFICIENCY; ANDERSON-FABRY DISEASE; CERAMIDE TRIHEXOSIDASE DEFICIENCY; GLA DEFICIENCY; HEREDITARY DYSTOPIC LIPIDOSIS. Identifiers: Orphanet 324, MedGen C0002986, MONDO:0010526, OMIM 301500, HP:0001071. Disease mechanism: Fabry disease is due to inactivating mutations in the X-linked GLA gene resulting in deficiency of the enzyme Alpha Galactosidase-A., loss of function.

Submission:

All of Us Research Program, National Institutes of Health
Classification: Uncertain significance for Fabry disease. Last evaluated: 2023-05-04. Review status: criteria provided, single submitter. Criteria: ACMG Guidelines, 2015. Collection method: clinical testing. Allele origin: germline. Inheritance: X-linked inheritance. Observed: 1 variant allele, 1 homozygote.
Comment: This missense variant replaces glutamine with histidine at codon 119 of the GLA protein. Computational prediction suggests that this variant may not impact protein structure and function (internally defined REVEL score threshold <= 0.5, PMID: 27666373). To our knowledge, functional studies have not been reported for this variant. This variant has not been reported in individuals affected with GLA-related disorders in the literature. This variant has not been identified in the general population by the Genome Aggregation Database (gnomAD). The available evidence is insufficient to determine the role of this variant in disease conclusively. Therefore, this variant is classified as a Variant of Uncertain Significance.

This study involves interpretation of variants in research participants for the purpose of population health screening. Participant phenotype was not available at the time of variant classification. Additional details can be found in publication PMID: 35346344, PMCID: PMC8962531